The following is an entry in ClinVar:

NM_020461.4(TUBGCP6):c.1225C>T (p.Arg409Cys)

Gene: TUBGCP6 (tubulin gamma complex component 6; minus strand). Cytogenetic location: 22q13.33.
Variant type: single nucleotide variant.
Coding change: c.1225C>T on transcript NM_020461.4 (MANE Select); coding-DNA position 1225, C replaced by T.
Protein change: p.Arg409Cys; replaces arginine 409 with cysteine.
Molecular consequence: missense variant.
Genome position (GRCh38, 1-based): chr22:50,229,469, G>A on the plus strand (C>T on the coding strand, the complement: TUBGCP6 is on the minus strand). VCF-style: chr22-50229469-G-A. GRCh37 (hg19) VCF-style: chr22-50667898-G-A.
Other names: short protein forms R409C.
Identifiers: ClinVar variation 940445 (VCV000940445.9), dbSNP rs1282749907, ClinGen allele CA412108533.

ClinVar aggregate classification (germline): Uncertain significance. Review status: criteria provided, multiple submitters, no conflicts (2 of 4 stars). 3 submissions from 3 submitters: Uncertain significance (3). Last evaluated 2025-06-24.

Conditions:
Microcephaly and chorioretinopathy 1. Also called: Microcephaly and chorioretinopathy, autosomal recessive, 1. Identifiers: MedGen C3278481, MONDO:0009624, OMIM 251270.
Inborn genetic diseases. Identifiers: MedGen C0950123, MeSH D030342.

Allele frequency attached by ClinVar (database versions not stated): gnomAD 0.00001; gnomAD exomes 0.00001; TOPMed 0.00002.
gnomAD v4.1: 11 of 1,613,068 alleles (0.00068%); highest among the groups gnomAD compares: African/African-American, 0.0027%; no homozygotes.

Submissions (3):

Ambry Genetics
Classification: Uncertain significance for Inborn genetic diseases. Last evaluated: 2025-06-24. Review status: criteria provided, single submitter. Criteria: Ambry Variant Classification Scheme 2023. Collection method: clinical testing. Allele origin: germline.

Fulgent Genetics
Classification: Uncertain significance for Microcephaly and chorioretinopathy 1. Last evaluated: 2022-03-30. Review status: criteria provided, single submitter. Criteria: ACMG Guidelines, 2015. Collection method: clinical testing. Allele origin: unknown.

Labcorp Genetics (formerly Invitae), Labcorp
Classification: Uncertain significance. Last evaluated: 2021-08-24. Review status: criteria provided, single submitter. Criteria: Invitae Variant Classification Sherloc (09022015). Collection method: clinical testing. Allele origin: germline.
Comment: This sequence change replaces arginine with cysteine at codon 409 of the TUBGCP6 protein (p.Arg409Cys). The arginine residue is highly conserved and there is a large physicochemical difference between arginine and cysteine. This variant is not present in population databases (ExAC no frequency). This variant has not been reported in the literature in individuals affected with TUBGCP6-related conditions. Algorithms developed to predict the effect of missense changes on protein structure and function are either unavailable or do not agree on the potential impact of this missense change (SIFT: "Deleterious"; PolyPhen-2: "Probably Damaging"; Align-GVGD: "Class C0"). Algorithms developed to predict the effect of sequence changes on RNA splicing suggest that this variant may create or strengthen a splice site. In summary, the available evidence is currently insufficient to determine the role of this variant in disease. Therefore, it has been classified as a Variant of Uncertain Significance.